The following is an entry in ClinVar:

NM_002591.4(PCK1):c.1592G>A (p.Gly531Glu)

Gene: PCK1 (phosphoenolpyruvate carboxykinase 1; plus strand). Cytogenetic location: 20q13.31.
Variant type: single nucleotide variant.
Coding change: c.1592G>A on transcript NM_002591.4 (MANE Select); coding-DNA position 1592, G replaced by A.
Protein change: p.Gly531Glu; replaces glycine 531 with glutamic acid.
Molecular consequence: missense variant.
Genome position (GRCh38, 1-based): chr20:57,565,527, G>A. VCF-style: chr20-57565527-G-A. GRCh37 (hg19) VCF-style: chr20-56140583-G-A.
Other names: c.1592G>A (NM_002591.3); short protein forms G531E.
Identifiers: ClinVar variation 2193726 (VCV002193726.3), dbSNP rs748289347, ClinGen allele CA9922429.

ClinVar aggregate classification (germline): Uncertain significance. Review status: criteria provided, multiple submitters, no conflicts (2 of 4 stars). 2 submissions from 2 submitters: Uncertain significance (2). Last evaluated 2025-09-26.

Conditions:
Inborn genetic diseases. Identifiers: MedGen C0950123, MeSH D030342.

Allele frequency attached by ClinVar (database versions not stated): TOPMed 0.00002; gnomAD 0.00005; gnomAD exomes 0.00002; ExAC 0.00008.

Submissions (2):

Ambry Genetics
Classification: Uncertain significance for Inborn genetic diseases. Last evaluated: 2025-09-26. Review status: criteria provided, single submitter. Criteria: Ambry Variant Classification Scheme 2023. Collection method: clinical testing. Allele origin: germline.

Labcorp Genetics (formerly Invitae), Labcorp
Classification: Uncertain significance. Last evaluated: 2024-05-21. Review status: criteria provided, single submitter. Criteria: Invitae Variant Classification Sherloc (09022015). Collection method: clinical testing. Allele origin: germline.
Comment: This sequence change replaces glycine, which is neutral and non-polar, with glutamic acid, which is acidic and polar, at codon 531 of the PCK1 protein (p.Gly531Glu). This variant is present in population databases (rs748289347, gnomAD 0.04%). This variant has not been reported in the literature in individuals affected with PCK1-related conditions. ClinVar contains an entry for this variant (Variation ID: 2193726). Advanced modeling of protein sequence and biophysical properties (such as structural, functional, and spatial information, amino acid conservation, physicochemical variation, residue mobility, and thermodynamic stability) performed at Invitae indicates that this missense variant is expected to disrupt PCK1 protein function with a positive predictive value of 80%. In summary, the available evidence is currently insufficient to determine the role of this variant in disease. Therefore, it has been classified as a Variant of Uncertain Significance.